The following is an entry in ClinVar:

NM_004366.6(CLCN2):c.1929CCG[3] (p.Arg646dup)

Gene: CLCN2 (chloride voltage-gated channel 2; minus strand). Cytogenetic location: 3q27.1.
Variant type: Microsatellite.
Coding change: c.1929CCG[3] on transcript NM_004366.6 (MANE Select); three copies in a row of the 3-base unit CCG starting at c.1929; the reference has two copies in a row; one copy, 3 bases duplicated; also written c.1932_1934dup.
Protein change: p.Arg646dup; duplicates arginine 646.
Molecular consequence: inframe insertion.
Genome position (GRCh38, 1-based): chr3:184,353,344-184,353,346, CGG duplicated on the plus strand (CCG on the coding strand, the reverse complement: CLCN2 is on the minus strand); duplicating any 3 consecutive bases within chr3:184,353,344-184,353,349 gives the same sequence; the position shown is the placement nearest the transcript's 3' end. VCF-style (leftmost placement, unchanged base first): chr3-184353343-C-CCGG. GRCh37 (hg19) VCF-style: chr3-184071131-C-CCGG.
Other names: p.Arg646dup; c.1878CCG[3], p.Arg629dup (NM_001171087.3); c.1797CCG[3], p.Arg602dup (NM_001171088.3); c.1929CCG[3], p.Arg646dup (NM_001171089.3); c.1932_1934dup (NM_004366.6).
Identifiers: ClinVar variation 1168367 (VCV001168367.13), dbSNP rs545787624, ClinGen allele CA2733934.
Genomic context (GRCh38, chr3:184,353,343, plus strand): 5'-ACCCTCCTGATCAGATAGTGGAGAGGTCTGGGTGGCTCTGCGCTCCTGCATGTGCTGCCG[C>CCGG]CGGCGGGCTGGGCTCAGCTGGGCCCCCAACAATGCCACCACCTGTGAACGCTCGATGGAG-3'

ClinVar aggregate classification (germline): Benign/Likely benign. Review status: criteria provided, multiple submitters, no conflicts (2 of 4 stars). 5 submissions from 5 submitters: Benign (2); Likely benign (1). 2 of the submissions do not count toward it. Last evaluated 2026-01-15.

Submissions (5):

Labcorp Genetics (formerly Invitae), Labcorp
Classification: Benign. Last evaluated: 2026-01-15. Review status: criteria provided, single submitter. Criteria: Invitae Variant Classification Sherloc (09022015). Collection method: clinical testing. Allele origin: germline.

Blueprint Genetics
Classification: Likely benign. Last evaluated: 2024-11-22. Review status: criteria provided, single submitter. Criteria: ACMG Guidelines, 2015. Collection method: clinical testing. Allele origin: germline.

Mayo Clinic Laboratories, Mayo Clinic
Classification: Benign. Last evaluated: 2023-02-06. Review status: criteria provided, single submitter. Criteria: ACMG Guidelines, 2015. Collection method: clinical testing. Allele origin: germline. Observed: 10 variant alleles.
Comment: BS1, BS2

Diagnostic Laboratory, Department of Genetics, University Medical Center Groningen
Classification: Benign. Review status: no assertion criteria provided. Collection method: clinical testing. Allele origin: germline. Affected: yes. Study: VKGL Data-share Consensus. Not counted in ClinVar's aggregate classification.

Laboratory of Diagnostic Genome Analysis, Leiden University Medical Center (LUMC)
Classification: Likely benign. Review status: no assertion criteria provided. Collection method: clinical testing. Allele origin: germline. Affected: yes. Study: VKGL Data-share Consensus. Not counted in ClinVar's aggregate classification.